The following is an entry in ClinVar:

NM_019066.5(MAGEL2):c.3261T>C (p.Tyr1087=)

Gene: MAGEL2 (MAGE family member L2; minus strand). Cytogenetic location: 15q11.2.
Variant type: single nucleotide variant.
Coding change: c.3261T>C on transcript NM_019066.5 (MANE Select); coding-DNA position 3261, T replaced by C.
Protein change: p.Tyr1087=; no amino-acid change (tyrosine 1087 retained).
Molecular consequence: synonymous variant.
Genome position (GRCh38, 1-based): chr15:23,644,482, A>G on the plus strand (T>C on the coding strand, the complement: MAGEL2 is on the minus strand). VCF-style: chr15-23644482-A-G. GRCh37 (hg19) VCF-style: chr15-23889629-A-G.
Identifiers: ClinVar variation 287838 (VCV000287838.8), dbSNP rs150927765, ClinGen allele CA10605891.

ClinVar aggregate classification (germline): Uncertain significance. Review status: criteria provided, multiple submitters, no conflicts (2 of 4 stars). 2 submissions from 2 submitters: Uncertain significance (2). Last evaluated 2025-03-17.

Allele frequency attached by ClinVar (database versions not stated): gnomAD exomes below 0.00001 and 0.00004; 1000 Genomes Project 0.00040; 1000 Genomes Project 30x 0.00031; gnomAD 0.00002.
gnomAD v4.1: 54 of 1,613,956 alleles (0.0033%); highest among the groups gnomAD compares: East Asian, 0.11%; no homozygotes.

Submissions (2):

Labcorp Genetics (formerly Invitae), Labcorp
Classification: Uncertain significance. Last evaluated: 2025-03-17. Review status: criteria provided, single submitter. Criteria: Invitae Variant Classification Sherloc (09022015). Collection method: clinical testing. Allele origin: germline.
Comment: This sequence change affects codon 1087 of the MAGEL2 mRNA. It is a 'silent' change, meaning that it does not change the encoded amino acid sequence of the MAGEL2 protein. This variant is present in population databases (rs150927765, gnomAD 0.006%). This variant has not been reported in the literature in individuals affected with MAGEL2-related conditions. ClinVar contains an entry for this variant (Variation ID: 287838). In summary, the available evidence is currently insufficient to determine the role of this variant in disease. Therefore, it has been classified as a Variant of Uncertain Significance.

Eurofins Ntd Llc (ga)
Classification: Uncertain significance. Last evaluated: 2016-06-21. Review status: criteria provided, single submitter. Criteria: EGL Classification Definitions 2015. Collection method: clinical testing. Allele origin: germline. Observed: 1 variant allele, 1 heterozygote.